The following is an entry in ClinVar:

ClinVar aggregate classification (germline): Pathogenic. Review status: no assertion criteria provided (0 of 4 stars). 2 submissions from 2 submitters: Pathogenic (2). Last evaluated 2014-06-01.

Conditions:
Frank-Ter Haar syndrome. Also called: TER HAAR SYNDROME; MELNICK-NEEDLES SYNDROME, AUTOSOMAL RECESSIVE; BORRONE DERMATOCARDIOSKELETAL SYNDROME; Borrone di Rocco Crovato syndrome. Identifiers: Orphanet 1266, Orphanet 137834, MedGen C1855305, MONDO:0009579, OMIM 249420.

Submissions (2):

OMIM
Classification: Pathogenic for FRANK-TER HAAR SYNDROME. Last evaluated: 2014-06-01. Review status: no assertion criteria provided. Collection method: literature only. Allele origin: germline.

Neurogenetics Research; Murdoch Childrens Research Institute
Classification: Pathogenic for Borrone Di Rocco Crovato syndrome. Review status: no assertion criteria provided. Collection method: not provided. Allele origin: germline.
ClinVar note: Converted during submission from pathogenic to Pathogenic.

Literature cited by the submitters: PubMed 24105366 (cited by OMIM).

NM_001017995.3(SH3PXD2B):c.401+1G>A

Gene: SH3PXD2B (SH3 and PX domains 2B; minus strand). Cytogenetic location: 5q35.1.
Variant type: single nucleotide variant.
Coding change: c.401+1G>A on transcript NM_001017995.3 (MANE Select); the canonical splice donor site of the intron after coding-DNA position 401, G replaced by A.
Molecular consequence: splice donor variant.
Genome position (GRCh38, 1-based): chr5:172,382,035, C>T on the plus strand (G>A on the coding strand, the complement: SH3PXD2B is on the minus strand). VCF-style: chr5-172382035-C-T. GRCh37 (hg19) VCF-style: chr5-171809039-C-T.
Other names: IVS5DS, G-A, +1; c.401+1G>A (NM_001308175.2).
Identifiers: ClinVar variation 55933 (VCV000055933.3), dbSNP rs367543284, ClinGen allele CA210090.
Genomic context (GRCh38, chr5:172,382,035, plus strand): 5'-CTGGACTGGCAGGAGGGAGGGCTGTGGGGCTCCATCTGGGGAAGCCCACAAACAAACTTA[C>T]TCTTTGGGGGGATTCAGGTCCTCAGGTCTTGTCTCAAAGAACTGCAGCACCTCATCACAC-3'